The following is an entry in ClinVar:

NM_001853.4(COL9A3):c.873C>T (p.Pro291=)

Gene: COL9A3 (collagen type IX alpha 3 chain; plus strand). Cytogenetic location: 20q13.33.
Variant type: single nucleotide variant.
Coding change: c.873C>T on transcript NM_001853.4 (MANE Select); coding-DNA position 873, C replaced by T.
Protein change: p.Pro291=; no amino-acid change (proline 291 retained).
Molecular consequence: synonymous variant.
Genome position (GRCh38, 1-based): chr20:62,827,949, C>T. VCF-style: chr20-62827949-C-T. GRCh37 (hg19) VCF-style: chr20-61459301-C-T.
Other names: c.873C>T, p.Pro291= (LRG_1253t1).
Identifiers: ClinVar variation 339279 (VCV000339279.40), dbSNP rs201808719, ClinGen allele CA9949569.

ClinVar aggregate classification (germline): Likely benign. Review status: criteria provided, multiple submitters, no conflicts (2 of 4 stars). 6 submissions from 6 submitters: Likely benign (5). 1 of the submissions does not count toward it. Last evaluated 2026-01-05.

Conditions:
COL9A3-related disorder. Also called: COL9A3-related condition.
Connective tissue disorder. Also called: Connective tissue disease. Identifiers: MedGen C0009782, MONDO:0003900.

Allele frequency attached by ClinVar (database versions not stated): ESP Exome Variant Server 0.00015; gnomAD exomes 0.00036 and 0.00067; gnomAD 0.00046; TOPMed 0.00058; ExAC 0.00066.
gnomAD v4.1: 629 of 1,612,846 alleles (0.039%); highest among the groups gnomAD compares: Middle Eastern, 0.2%; 3 homozygotes.

Submissions (6):

Labcorp Genetics (formerly Invitae), Labcorp
Classification: Likely benign. Last evaluated: 2026-01-05. Review status: criteria provided, single submitter. Criteria: Invitae Variant Classification Sherloc (09022015). Collection method: clinical testing. Allele origin: germline.

Blueprint Genetics
Classification: Likely benign. Last evaluated: 2024-10-16. Review status: criteria provided, single submitter. Criteria: ACMG Guidelines, 2015. Collection method: clinical testing. Allele origin: germline.

CeGaT Center for Human Genetics Tuebingen
Classification: Likely benign. Last evaluated: 2024-09-01. Review status: criteria provided, single submitter. Criteria: CeGaT Center For Human Genetics Tuebingen Variant Classification Criteria Version 2. Collection method: clinical testing. Allele origin: germline. Affected: yes. Observed: 3 variant alleles.
Comment: COL9A3: BP4, BP7

GeneDx
Classification: Likely benign. Last evaluated: 2020-12-16. Review status: criteria provided, single submitter. Criteria: GeneDx Variant Classification Process June 2021. Collection method: clinical testing. Allele origin: germline. Affected: yes.

Genome Diagnostics Laboratory, The Hospital for Sick Children
Classification: Likely benign for Connective tissue disorder. Last evaluated: 2019-06-01. Review status: criteria provided, single submitter. Criteria: ACMG Guidelines, 2015. Collection method: clinical testing. Allele origin: germline.

PreventionGenetics, part of Exact Sciences
Classification: Likely benign for COL9A3-related condition. Last evaluated: 2019-10-25. Review status: no assertion criteria provided. Collection method: clinical testing. Allele origin: germline. Not counted in ClinVar's aggregate classification.
Comment: This variant is classified as likely benign based on ACMG/AMP sequence variant interpretation guidelines (Richards et al. 2015 PMID: 25741868, with internal and published modifications).